The following is an entry in ClinVar:

ClinVar aggregate classification (germline): Likely pathogenic. Review status: reviewed by expert panel (3 of 4 stars). 3 submissions from 3 submitters: Likely pathogenic (1). 2 of the submissions do not count toward it. Last evaluated 2022-12-15.

Conditions:
Very long chain acyl-CoA dehydrogenase deficiency (ACADVLD). Also called: VLCAD Deficiency; Very Long-Chain Acyl-Coenzyme A Dehydrogenase Deficiency. Identifiers: Orphanet 26793, MedGen C3887523, MONDO:0008723, OMIM 201475.

Submissions (3):

ClinGen ACADVL Variant Curation Expert Panel, ClinGen
Classification: Likely pathogenic for Very long chain acyl-CoA dehydrogenase deficiency. Last evaluated: 2022-12-15. Review status: reviewed by expert panel. Criteria: clingen acadvl acmg specifications v1. Collection method: curation. Allele origin: germline. Inheritance: Autosomal recessive inheritance.
Comment: The NM_000018.4(ACADVL);c.1283del(p.Lys428Argfs*2) variant in ACADVL is a frameshift variant predicted to cause a premature stop codon in biologically-relevant-exon 13 leading to nonsense mediated decay in a gene in which loss-of-function is an established disease mechanism (PVS1; PMIDs 9973285, 11590124). This variant is absent from gnomAD v2.1.1 (PM2_Supporting). In summary, this variant meets the criteria to be classified as likely pathogenic for autosomal recessive very long chain acyl-CoA dehydrogenase (VLCAD) deficiency based on the ACMG/AMP criteria applied, as specified by the ClinGen ACADVL Variant Curation Expert Panel: PVS1, PM2_Supporting

Labcorp Genetics (formerly Invitae), Labcorp
Classification: Pathogenic for Very long chain acyl-CoA dehydrogenase deficiency. Last evaluated: 2020-02-11. Review status: criteria provided, single submitter. Criteria: Invitae Variant Classification Sherloc (09022015). Collection method: clinical testing. Allele origin: germline. Not counted in ClinVar's aggregate classification.
Comment: For these reasons, this variant has been classified as Pathogenic. Loss-of-function variants in ACADVL are known to be pathogenic (PMID: 9973285, 11590124). This variant has not been reported in the literature in individuals with ACADVL-related conditions. ClinVar contains an entry for this variant (Variation ID: 557078). This variant is not present in population databases (ExAC no frequency). This sequence change creates a premature translational stop signal (p.Lys428Argfs*2) in the ACADVL gene. It is expected to result in an absent or disrupted protein product.

Counsyl
Classification: Likely pathogenic for Very long chain acyl-CoA dehydrogenase deficiency. Last evaluated: 2018-03-09. Review status: no assertion criteria provided. Collection method: clinical testing. Allele origin: unknown. Not counted in ClinVar's aggregate classification.

Literature cited by the submitters: PubMed 9973285 (cited by Labcorp Genetics (formerly Invitae), Labcorp); PubMed 11590124 (cited by Labcorp Genetics (formerly Invitae), Labcorp).

NM_000018.4(ACADVL):c.1283del (p.Lys428fs)

Gene: ACADVL (acyl-CoA dehydrogenase very long chain; plus strand). Cytogenetic location: 17p13.1.
Variant type: Deletion.
Coding change: c.1283del on transcript NM_000018.4 (MANE Select); coding-DNA position 1283, one base deleted (A; older notation c.1283delA).
Protein change: p.Lys428fs; shifts the reading frame from lysine 428.
Molecular consequence: frameshift variant.
Genome position (GRCh38, 1-based): chr17:7,223,826, A deleted; the last of 2 consecutive A bases (chr17:7,223,825-7,223,826); deleting either gives the same sequence. VCF-style (leftmost placement, unchanged base first): chr17-7223824-GA-G. GRCh37 (hg19) VCF-style: chr17-7127143-GA-G.
Other names: NM_000018.4(ACADVL):c.1283del; p.Lys428fs; c.1217del, p.Lys406fs (NM_001033859.3); c.1352del, p.Lys451fs (NM_001270447.2); c.1055del, p.Lys352fs (NM_001270448.2); short protein forms K428fs, K352fs, K406fs, K451fs.
Identifiers: ClinVar variation 557078 (VCV000557078.11), dbSNP rs1555528745, ClinGen allele CA658824843.